The following is an entry in ClinVar:

NM_001384474.1(LOXHD1):c.2054G>A (p.Arg685His)

Gene: LOXHD1 (lipoxygenase homology PLAT domains 1; minus strand). Cytogenetic location: 18q21.1.
Variant type: single nucleotide variant.
Coding change: c.2054G>A on transcript NM_001384474.1 (MANE Select); coding-DNA position 2054, G replaced by A.
Protein change: p.Arg685His; replaces arginine 685 with histidine.
Molecular consequence: missense variant.
Genome position (GRCh38, 1-based): chr18:46,569,632, C>T on the plus strand (G>A on the coding strand, the complement: LOXHD1 is on the minus strand). VCF-style: chr18-46569632-C-T. GRCh37 (hg19) VCF-style: chr18-44149595-C-T.
Other names: c.2054G>A, p.Arg685His (NM_144612.7); short protein forms R685H.
Identifiers: ClinVar variation 3369346 (VCV003369346.3).

ClinVar aggregate classification (germline): Uncertain significance. Review status: criteria provided, multiple submitters, no conflicts (2 of 4 stars). 3 submissions from 3 submitters: Uncertain significance (3). Last evaluated 2024-12-13.

gnomAD v4.1: 115 of 1,550,240 alleles (0.0074%); highest among the groups gnomAD compares: South Asian, 0.088%; 1 homozygote.

Submissions (3):

Labcorp Genetics (formerly Invitae), Labcorp
Classification: Uncertain significance. Last evaluated: 2024-12-13. Review status: criteria provided, single submitter. Criteria: Invitae Variant Classification Sherloc (09022015). Collection method: clinical testing. Allele origin: germline.
Comment: This sequence change replaces arginine, which is basic and polar, with histidine, which is basic and polar, at codon 685 of the LOXHD1 protein (p.Arg685His). This variant is present in population databases (rs532160492, gnomAD 0.1%). This variant has not been reported in the literature in individuals affected with LOXHD1-related conditions. An algorithm developed to predict the effect of missense changes on protein structure and function (PolyPhen-2) suggests that this variant¬†is likely to be tolerated. In summary, the available evidence is currently insufficient to determine the role of this variant in disease. Therefore, it has been classified as a Variant of Uncertain Significance.

Blueprint Genetics
Classification: Uncertain significance. Last evaluated: 2024-10-22. Review status: criteria provided, single submitter. Criteria: ACMG Guidelines, 2015. Collection method: clinical testing. Allele origin: germline.

GeneDx
Classification: Uncertain significance. Last evaluated: 2024-02-22. Review status: criteria provided, single submitter. Criteria: GeneDx Variant Classification Process June 2021. Collection method: clinical testing. Allele origin: germline. Affected: yes.
Comment: Identified with a second LOXHD1 variant in a patient with hearing impairment in published literature (PMID: 33484326); In silico analysis supports that this missense variant does not alter protein structure/function; This variant is associated with the following publications: (PMID: 33484326)